The following is an entry in ClinVar:

ClinVar aggregate classification (germline): Uncertain significance (1 of 4 stars; one submission).

Allele frequency attached by ClinVar (database versions not stated): gnomAD exomes below 0.00001; gnomAD 0.00001.
gnomAD v4.1: 4 of 1,613,054 alleles (0.00025%); highest among the groups gnomAD compares: Middle Eastern, 0.016%; no homozygotes.

Submission:

GeneDx
Classification: Uncertain significance. Last evaluated: 2022-04-22. Review status: criteria provided, single submitter. Criteria: GeneDx Variant Classification Process June 2021. Collection method: clinical testing. Allele origin: germline. Affected: yes.
Comment: Not observed at significant frequency in large population cohorts (gnomAD); In silico analysis supports that this missense variant does not alter protein structure/function; Has not been previously published as pathogenic or benign to our knowledge

NM_001366145.2(TRPM3):c.1183G>A (p.Val395Met)

Gene: TRPM3 (transient receptor potential cation channel subfamily M member 3; minus strand). Cytogenetic location: 9q21.12.
Variant type: single nucleotide variant.
Coding change: c.1183G>A on transcript NM_001366145.2 (MANE Select); coding-DNA position 1183, G replaced by A.
Protein change: p.Val395Met; replaces valine 395 with methionine.
Molecular consequence: missense variant.
Genome position (GRCh38, 1-based): chr9:70,761,690, C>T on the plus strand (G>A on the coding strand, the complement: TRPM3 is on the minus strand). VCF-style: chr9-70761690-C-T. GRCh37 (hg19) VCF-style: chr9-73376606-C-T.
Other names: c.1183G>A, p.Val395Met (NM_001007471.4, NM_001366146.2, NM_001366149.2 and 2 more transcripts); c.1189G>A, p.Val397Met (NM_001366141.2, NM_001366142.2, NM_001366143.2); c.1258G>A, p.Val420Met (NM_001366147.2, NM_001366148.2, NM_001366152.2); c.724G>A, p.Val242Met (NM_001366154.2, NM_020952.6, NM_024971.7 and 2 more transcripts); c.799G>A, p.Val267Met (NM_206946.5, NM_206947.5); short protein forms V242M, V267M, V395M, V397M, V420M.
Identifiers: ClinVar variation 1712066 (VCV001712066.2), dbSNP rs2078176021, ClinGen allele CA373643582.